The following is an entry in ClinVar:

ClinVar aggregate classification (germline): Uncertain significance (1 of 4 stars; one submission).

Allele frequency attached by ClinVar (database versions not stated): gnomAD exomes 0.00001; TOPMed 0.00001; ExAC 0.00002.
gnomAD v4.1: 10 of 1,614,100 alleles (0.00062%); highest among the groups gnomAD compares: South Asian, 0.0033%; no homozygotes.

Submission:

Labcorp Genetics (formerly Invitae), Labcorp
Classification: Uncertain significance. Last evaluated: 2022-06-20. Review status: criteria provided, single submitter. Criteria: Invitae Variant Classification Sherloc (09022015). Collection method: clinical testing. Allele origin: germline.
Comment: This sequence change replaces alanine with threonine at codon 1917 of the ANK3 protein (p.Ala1917Thr). The alanine residue is moderately conserved and there is a small physicochemical difference between alanine and threonine. This variant is present in population databases (rs762988253, gnomAD 0.003%). This variant has not been reported in the literature in individuals affected with ANK3-related conditions. Algorithms developed to predict the effect of missense changes on protein structure and function are either unavailable or do not agree on the potential impact of this missense change (SIFT: "Not Available"; PolyPhen-2: "Probably Damaging"; Align-GVGD: "Not Available"). In summary, the available evidence is currently insufficient to determine the role of this variant in disease. Therefore, it has been classified as a Variant of Uncertain Significance.

NM_020987.5(ANK3):c.5749G>A (p.Ala1917Thr)

Gene: ANK3 (ankyrin 3; minus strand). Cytogenetic location: 10q21.2.
Variant type: single nucleotide variant.
Coding change: c.5749G>A on transcript NM_020987.5 (MANE Select); coding-DNA position 5749, G replaced by A.
Protein change: p.Ala1917Thr; replaces alanine 1917 with threonine.
Molecular consequence: missense variant. On other transcripts: intron variant (4).
Genome position (GRCh38, 1-based): chr10:60,075,132, C>T on the plus strand (G>A on the coding strand, the complement: ANK3 is on the minus strand). VCF-style: chr10-60075132-C-T. GRCh37 (hg19) VCF-style: chr10-61834890-C-T.
Other names: c.4387+5405G>A (NM_001204403.2); c.4408+5405G>A (NM_001204404.2); c.4405+5405G>A (NM_001320874.2); c.1807+5405G>A (NM_001149.4); short protein forms A1917T.
Identifiers: ClinVar variation 1485493 (VCV001485493.6), dbSNP rs762988253, ClinGen allele CA5511965.